The following is an entry in ClinVar:

NM_000075.4(CDK4):c.502C>T (p.Gln168Ter)

Gene: CDK4 (cyclin dependent kinase 4; minus strand). Cytogenetic location: 12q14.1.
Variant type: single nucleotide variant.
Coding change: c.502C>T on transcript NM_000075.4 (MANE Select); coding-DNA position 502, C replaced by T.
Protein change: p.Gln168Ter; replaces glutamine 168 with a stop codon.
Molecular consequence: nonsense.
Genome position (GRCh38, 1-based): chr12:57,750,943, G>A on the plus strand (C>T on the coding strand, the complement: CDK4 is on the minus strand). VCF-style: chr12-57750943-G-A. GRCh37 (hg19) VCF-style: chr12-58144726-G-A.
Other names: short protein forms Q168*.
Identifiers: ClinVar variation 485488 (VCV000485488.12), dbSNP rs1555201299, ClinGen allele CA385546163.

ClinVar aggregate classification (germline): Uncertain significance. Review status: criteria provided, multiple submitters, no conflicts (2 of 4 stars). 2 submissions from 2 submitters: Uncertain significance (2). Last evaluated 2025-11-13.

Conditions:
Hereditary cancer-predisposing syndrome. Also called: Neoplastic Syndromes, Hereditary; Tumor predisposition; Hereditary Cancer Syndrome; Hereditary neoplastic syndrome. Identifiers: Orphanet 140162, MedGen C0027672, MeSH D009386, MONDO:0015356.
Familial melanoma. Also called: Hereditary melanoma; Hereditary cutaneous melanoma. Identifiers: Orphanet 618, MedGen C1512419, MONDO:0018961.

Submissions (2):

Labcorp Genetics (formerly Invitae), Labcorp
Classification: Uncertain significance for Familial melanoma. Last evaluated: 2025-11-13. Review status: criteria provided, single submitter. Criteria: Invitae Variant Classification Sherloc (09022015). Collection method: clinical testing. Allele origin: germline.
Comment: This sequence change creates a premature translational stop signal (p.Gln168*) in the CDK4 gene. It is expected to result in an absent or disrupted protein product. However, the current clinical and genetic evidence is not sufficient to establish whether loss-of-function variants in CDK4 cause disease. This variant is not present in population databases (gnomAD no frequency). This variant has not been reported in the literature in individuals affected with CDK4-related conditions. ClinVar contains an entry for this variant (Variation ID: 485488). Experimental studies and prediction algorithms are not available or were not evaluated, and the functional significance of this variant is currently unknown. In summary, the available evidence is currently insufficient to determine the role of this variant in disease. Therefore, it has been classified as a Variant of Uncertain Significance.

Ambry Genetics
Classification: Uncertain significance for Hereditary cancer-predisposing syndrome. Last evaluated: 2024-09-11. Review status: criteria provided, single submitter. Criteria: Ambry Variant Classification Scheme 2023. Collection method: clinical testing. Allele origin: germline.
Comment: The p.Q168* variant (also known as c.502C>T), located in coding exon 3 of the CDK4 gene, results from a C to T substitution at nucleotide position 502. This changes the amino acid from a glutamine to a stop codon within coding exon 3. This alteration is expected to result in premature protein truncation or nonsense-mediated mRNA decay. However, loss of function of CDK4 has not been clearly established as a mechanism of disease. Based on the available evidence, the clinical significance of this variant remains unclear.